The following is an entry in ClinVar:

NM_021101.5(CLDN1):c.583A>G (p.Thr195Ala)

Genes: CLDN1 (claudin 1; minus strand), CLDN16 (claudin 16; plus strand). Cytogenetic location: 3q28.
Variant type: single nucleotide variant.
Coding change: c.583A>G on transcript NM_021101.5 (MANE Select); coding-DNA position 583, A replaced by G.
Protein change: p.Thr195Ala; replaces threonine 195 with alanine.
Molecular consequence: missense variant. On other transcripts: intron variant (2).
Genome position (GRCh38, 1-based): chr3:190,308,330, T>C on the plus strand (A>G on the coding strand, the complement: CLDN1 is on the minus strand). VCF-style: chr3-190308330-T-C. GRCh37 (hg19) VCF-style: chr3-190026119-T-C.
Other names: c.-445-6563T>C (NM_001378492.1); c.-279+17739T>C (NM_001378493.1); short protein forms T195A.
Identifiers: ClinVar variation 3357349 (VCV003357349.1).

ClinVar aggregate classification (germline): Uncertain significance (0 of 4 stars; one submission).

Conditions:
CLDN1-related disorder. Also called: CLDN1-related condition.

gnomAD v4.1: 6 of 1,613,718 alleles (0.00037%); highest among the groups gnomAD compares: Admixed American, 0.01%; no homozygotes.

Submission:

PreventionGenetics, part of Exact Sciences
Classification: Uncertain significance for CLDN1-related condition. Last evaluated: 2024-04-29. Review status: no assertion criteria provided. Collection method: clinical testing. Allele origin: germline.
Comment: The CLDN1 c.583A>G variant is predicted to result in the amino acid substitution p.Thr195Ala. To our knowledge, this variant has not been reported in the literature. This variant is reported in 0.020% of alleles in individuals of Latino descent in gnomAD. At this time, the clinical significance of this variant is uncertain due to the absence of conclusive functional and genetic evidence.